The following is an entry in ClinVar:

ClinVar aggregate classification (germline): Benign (1 of 4 stars; one submission).

Allele frequency attached by ClinVar (database versions not stated): 1000 Genomes Project 0.74141; 1000 Genomes Project 30x 0.74266; TOPMed 0.79763; gnomAD 0.80763 and 0.81398.
gnomAD v4.1: 122,817 of 152,104 alleles (81%); highest among the groups gnomAD compares: African/African-American, 89%; 50,103 homozygotes.

Submission:

GeneDx
Classification: Benign. Last evaluated: 2018-06-18. Review status: criteria provided, single submitter. Criteria: GeneDx Variant Classification (06012015). Collection method: clinical testing. Allele origin: germline. Affected: yes.
Comment: This variant is considered likely benign or benign based on one or more of the following criteria: it is a conservative change, it occurs at a poorly conserved position in the protein, it is predicted to be benign by multiple in silico algorithms, and/or has population frequency not consistent with disease.

NM_002230.4(JUP):c.707+290C>T

Gene: JUP (junction plakoglobin; minus strand). Cytogenetic location: 17q21.2.
Variant type: single nucleotide variant.
Coding change: c.707+290C>T on transcript NM_002230.4 (MANE Select); 290 bases into the intron after coding-DNA position 707, C replaced by T.
Molecular consequence: intron variant.
Genome position (GRCh38, 1-based): chr17:41,768,679, G>A on the plus strand (C>T on the coding strand, the complement: JUP is on the minus strand). VCF-style: chr17-41768679-G-A. GRCh37 (hg19) VCF-style: chr17-39924931-G-A.
Other names: c.707+290C>T (NM_001352774.2, NM_021991.4, NM_001352776.2 and 3 more transcripts).
Identifiers: ClinVar variation 683546 (VCV000683546.1), dbSNP rs7406692, ClinGen allele CA15907099.